The following is an entry in ClinVar:

ClinVar aggregate classification (germline): Uncertain significance. Review status: criteria provided, multiple submitters, no conflicts (2 of 4 stars). 7 submissions from 7 submitters: Uncertain significance (7). Last evaluated 2026-01-29.

Conditions:
MYH6-related disorder. Also called: MYH6-Related Disorders; MYH6-related condition.
Cardiovascular phenotype. Identifiers: MedGen CN230736.
Atrial septal defect 3 (ASD3). Identifiers: Orphanet 1478, MedGen C3279790, MONDO:0013567, OMIM 614089.
Dilated cardiomyopathy 1EE (CMD1EE). Identifiers: Orphanet 154, MedGen C2750466, MONDO:0013198, OMIM 613252.
Hypertrophic cardiomyopathy 14. Identifiers: MedGen C2750467, MONDO:0013197, OMIM 613251.
Sick sinus syndrome 3, susceptibility to (SSS3). Identifiers: Orphanet 166282, MedGen C3279791, MONDO:0013568, OMIM 614090.
Hypertrophic cardiomyopathy 1 (CMH1). Also called: Familial hypertrophic cardiomyopathy 1; MYH7-Related Familial Hypertrophic Cardiomyopathy. Identifiers: MedGen C3495498, MONDO:0008647, OMIM 192600.

Allele frequency attached by ClinVar (database versions not stated): gnomAD exomes below 0.00001; TOPMed 0.00004; gnomAD 0.00005 and 0.00007.
gnomAD v4.1: 29 of 1,614,160 alleles (0.0018%); highest among the groups gnomAD compares: South Asian, 0.0044%; 1 homozygote.

Submissions (7):

PreventionGenetics, part of Exact Sciences
Classification: Uncertain significance for MYH6-related condition. Last evaluated: 2026-01-29. Review status: criteria provided, single submitter. Criteria: ACMG Guidelines, 2015. Collection method: clinical testing. Allele origin: germline.
Comment: The MYH6 c.3785G>A variant is predicted to result in the amino acid substitution p.Arg1262His. To our knowledge, this variant has not been reported in the literature. This variant is reported in 0.0040% of alleles in individuals of African descent in gnomAD. At this time, the clinical significance of this variant is uncertain due to the absence of conclusive functional and genetic evidence.

Labcorp Genetics (formerly Invitae), Labcorp
Classification: Uncertain significance for Hypertrophic cardiomyopathy 14. Last evaluated: 2025-04-22. Review status: criteria provided, single submitter. Criteria: Invitae Variant Classification Sherloc (09022015). Collection method: clinical testing. Allele origin: germline.
Comment: This sequence change replaces arginine, which is basic and polar, with histidine, which is basic and polar, at codon 1262 of the MYH6 protein (p.Arg1262His). This variant is present in population databases (rs544358806, gnomAD 0.004%). This variant has not been reported in the literature in individuals affected with MYH6-related conditions. ClinVar contains an entry for this variant (Variation ID: 470530). An algorithm developed to predict the effect of missense changes on protein structure and function (PolyPhen-2) suggests that this variant is likely to be disruptive. In summary, the available evidence is currently insufficient to determine the role of this variant in disease. Therefore, it has been classified as a Variant of Uncertain Significance.

Ambry Genetics
Classification: Uncertain significance for Cardiovascular phenotype. Last evaluated: 2025-01-23. Review status: criteria provided, single submitter. Criteria: Ambry Variant Classification Scheme 2023. Collection method: clinical testing. Allele origin: germline.
Comment: The p.R1262H variant (also known as c.3785G>A), located in coding exon 25 of the MYH6 gene, results from a G to A substitution at nucleotide position 3785. The arginine at codon 1262 is replaced by histidine, an amino acid with highly similar properties. This amino acid position is not well conserved in available vertebrate species. In addition, this alteration is predicted to be tolerated by in silico analysis. Based on the available evidence, the clinical significance of this variant remains unclear.

Blueprint Genetics
Classification: Uncertain significance. Last evaluated: 2024-08-28. Review status: criteria provided, single submitter. Criteria: ACMG Guidelines, 2015. Collection method: clinical testing. Allele origin: germline.

GeneDx
Classification: Uncertain significance. Last evaluated: 2023-03-21. Review status: criteria provided, single submitter. Criteria: GeneDx Variant Classification Process June 2021. Collection method: clinical testing. Allele origin: germline. Affected: yes.
Comment: Has not been previously published as pathogenic or benign to our knowledge; Not observed at a significant frequency in large population cohorts (gnomAD); In silico analysis supports that this missense variant does not alter protein structure/function

Fulgent Genetics
Classification: Uncertain significance for Hypertrophic cardiomyopathy 1; Hypertrophic cardiomyopathy 14; Dilated cardiomyopathy 1EE; Atrial septal defect 3; Sick sinus syndrome 3, susceptibility to. Last evaluated: 2021-10-04. Review status: criteria provided, single submitter. Criteria: ACMG Guidelines, 2015. Collection method: clinical testing. Allele origin: unknown.

Women's Health and Genetics/Laboratory Corporation of America, LabCorp
Classification: Uncertain significance. Last evaluated: 2020-07-20. Review status: criteria provided, single submitter. Criteria: LabCorp Variant Classification Summary - May 2015. Collection method: clinical testing. Allele origin: germline.
Comment: Variant summary: MYH6 c.3785G>A (p.Arg1262His) results in a non-conservative amino acid change located in the Myosin tail domain (IPR002928) of the encoded protein sequence. Four of five in-silico tools predict a damaging effect of the variant on protein function. The variant allele was found at a frequency of 4e-06 in 251456 control chromosomes. The available data on variant occurrences in the general population are insufficient to allow any conclusion about variant significance. To our knowledge, no occurrence of c.3785G>A in individuals affected with Cardiomyopathy and no experimental evidence demonstrating its impact on protein function have been reported. One clinical diagnostic laboratory has submitted clinical-significance assessments for this variant to ClinVar after 2014, and classified the variant as uncertain significance. Based on the evidence outlined above, the variant was classified as uncertain significance.

NM_002471.4(MYH6):c.3785G>A (p.Arg1262His)

Gene: MYH6 (myosin heavy chain 6; minus strand). Cytogenetic location: 14q11.2.
Variant type: single nucleotide variant.
Coding change: c.3785G>A on transcript NM_002471.4 (MANE Select); coding-DNA position 3785, G replaced by A.
Protein change: p.Arg1262His; replaces arginine 1262 with histidine.
Molecular consequence: missense variant.
Genome position (GRCh38, 1-based): chr14:23,389,667, C>T on the plus strand (G>A on the coding strand, the complement: MYH6 is on the minus strand). VCF-style: chr14-23389667-C-T. GRCh37 (hg19) VCF-style: chr14-23858876-C-T.
Other names: short protein forms R1262H.
Identifiers: ClinVar variation 470530 (VCV000470530.19), dbSNP rs544358806, ClinGen allele CA257783496.